The following is an entry in ClinVar:

NM_002471.4(MYH6):c.1476C>G (p.His492Gln)

Gene: MYH6 (myosin heavy chain 6; minus strand). Cytogenetic location: 14q11.2.
Variant type: single nucleotide variant.
Coding change: c.1476C>G on transcript NM_002471.4 (MANE Select); coding-DNA position 1476, C replaced by G.
Protein change: p.His492Gln; replaces histidine 492 with glutamine.
Molecular consequence: missense variant.
Genome position (GRCh38, 1-based): chr14:23,400,361, G>C on the plus strand (C>G on the coding strand, the complement: MYH6 is on the minus strand). VCF-style: chr14-23400361-G-C. GRCh37 (hg19) VCF-style: chr14-23869570-G-C.
Other names: short protein forms H492Q.
Identifiers: ClinVar variation 4860575 (VCV004860575.1).

ClinVar aggregate classification (germline): Uncertain significance (1 of 4 stars; one submission).

Conditions:
Cardiovascular phenotype. Identifiers: MedGen CN230736.

Submission:

Ambry Genetics
Classification: Uncertain significance for Cardiovascular phenotype. Last evaluated: 2026-06-09. Review status: criteria provided, single submitter. Criteria: Ambry Variant Classification Scheme 2023. Collection method: clinical testing. Allele origin: germline.
Comment: The p.H492Q variant (also known as c.1476C>G), located in coding exon 12 of the MYH6 gene, results from a C to G substitution at nucleotide position 1476. The histidine at codon 492 is replaced by glutamine, an amino acid with highly similar properties. This amino acid position is conserved. In addition, the in silico prediction for this alteration is inconclusive. Based on the available evidence, the clinical significance of this variant remains unclear.